The following is an entry in ClinVar:

ClinVar aggregate classification (germline): Uncertain significance. Review status: criteria provided, multiple submitters, no conflicts (2 of 4 stars). 3 submissions from 3 submitters: Uncertain significance (2). 1 of the submissions does not count toward it. Last evaluated 2023-12-22.

Conditions:
Brachydactyly type B1 (BDB1). Identifiers: Orphanet 572385, Orphanet 93383, MedGen C1862112, MONDO:0007220, OMIM 113000.
Autosomal recessive Robinow syndrome (RRS1). Also called: COSTOVERTEBRAL SEGMENTATION DEFECT WITH MESOMELIA; COVESDEM SYNDROME; ROBINOW SYNDROME, AUTOSOMAL RECESSIVE 1; ROR2-Related Robinow Syndrome. Identifiers: Orphanet 1507, Orphanet 97360, MedGen C5399974, MONDO:0009999, OMIM 268310.
Short stature. Identifiers: MedGen C0349588, HP:0004322.

Allele frequency attached by ClinVar (database versions not stated): gnomAD exomes below 0.00001 and 0.00002; gnomAD 0.00001; ExAC 0.00002; TOPMed 0.00002; 1000 Genomes Project 30x 0.00016; 1000 Genomes Project 0.00020.

Submissions (3):

Fulgent Genetics
Classification: Uncertain significance for Brachydactyly type B1; Autosomal recessive Robinow syndrome. Last evaluated: 2023-12-22. Review status: criteria provided, single submitter. Criteria: ACMG Guidelines, 2015. Collection method: clinical testing. Allele origin: germline.

Labcorp Genetics (formerly Invitae), Labcorp
Classification: Uncertain significance. Last evaluated: 2022-09-06. Review status: criteria provided, single submitter. Criteria: Invitae Variant Classification Sherloc (09022015). Collection method: clinical testing. Allele origin: germline.
Comment: ClinVar contains an entry for this variant (Variation ID: 1012279). This missense change has been observed in individual(s) with short stature (PMID: 33937263). This variant is present in population databases (rs543118807, gnomAD 0.02%). This sequence change replaces glutamic acid, which is acidic and polar, with lysine, which is basic and polar, at codon 257 of the ROR2 protein (p.Glu257Lys). Advanced modeling of protein sequence and biophysical properties (such as structural, functional, and spatial information, amino acid conservation, physicochemical variation, residue mobility, and thermodynamic stability) performed at Invitae indicates that this missense variant is not expected to disrupt ROR2 protein function. In summary, the available evidence is currently insufficient to determine the role of this variant in disease. Therefore, it has been classified as a Variant of Uncertain Significance.

Beijing Key Laboratory for Genetic Research of Skeletal Deformity, Peking Union Medical College Hospital
Classification: Uncertain significance for Short stature. Last evaluated: 2021-01-31. Review status: no assertion criteria provided. Collection method: research. Allele origin: unknown. Affected: yes. Not counted in ClinVar's aggregate classification.

Literature cited by the submitters: PubMed 33937263 (cited by Labcorp Genetics (formerly Invitae), Labcorp).

NM_004560.4(ROR2):c.769G>A (p.Glu257Lys)

Gene: ROR2 (receptor tyrosine kinase like orphan receptor 2; minus strand). Cytogenetic location: 9q22.31.
Variant type: single nucleotide variant.
Coding change: c.769G>A on transcript NM_004560.4 (MANE Select); coding-DNA position 769, G replaced by A.
Protein change: p.Glu257Lys; replaces glutamic acid 257 with lysine.
Molecular consequence: missense variant.
Genome position (GRCh38, 1-based): chr9:91,733,290, C>T on the plus strand (G>A on the coding strand, the complement: ROR2 is on the minus strand). VCF-style: chr9-91733290-C-T. GRCh37 (hg19) VCF-style: chr9-94495572-C-T.
Other names: c.769G>A, p.Glu257Lys (NM_001318204.2); short protein forms E257K.
Identifiers: ClinVar variation 1012279 (VCV001012279.8), dbSNP rs543118807, ClinGen allele CA5120896.